The following is an entry in ClinVar:

NM_003000.3(SDHB):c.441T>G (p.Tyr147Ter)

Gene: SDHB (succinate dehydrogenase complex iron sulfur subunit B; minus strand). Cytogenetic location: 1p36.13.
Variant type: single nucleotide variant.
Coding change: c.441T>G on transcript NM_003000.3 (MANE Select); coding-DNA position 441, T replaced by G.
Protein change: p.Tyr147Ter; replaces tyrosine 147 with a stop codon.
Molecular consequence: nonsense.
Genome position (GRCh38, 1-based): chr1:17,027,848, A>C on the plus strand (T>G on the coding strand, the complement: SDHB is on the minus strand). VCF-style: chr1-17027848-A-C. GRCh37 (hg19) VCF-style: chr1-17354343-A-C.
Other names: short protein forms Y147*.
Identifiers: ClinVar variation 412476 (VCV000412476.5), dbSNP rs1060503763, ClinGen allele CA16609941.

ClinVar aggregate classification (germline): Pathogenic (1 of 4 stars; one submission).

Conditions:
Pheochromocytoma/paraganglioma syndrome 4. Also called: PARAGANGLIOMA, FAMILIAL MALIGNANT; PARAGANGLIOMAS, HEREDITARY EXTRAADRENAL; PHEOCHROMOCYTOMA, FAMILIAL EXTRAADRENAL; Paragangliomas 4; CAROTID BODY TUMORS AND MULTIPLE EXTRAADRENAL PHEOCHROMOCYTOMAS; SDHB-Related Hereditary Paraganglioma-Pheochromocytoma Syndrome (Paragangliomas 4). Identifiers: Orphanet 29072, MedGen C1861848, MONDO:0007273, OMIM 115310.
Gastrointestinal stromal tumor. Also called: Gastrointestinal stroma tumor; Gastrointestinal stromal tumor, somatic. Identifiers: Orphanet 44890, MedGen C0238198, MeSH D046152, MONDO:0011719, OMIM 606764, HP:0100723.
Pheochromocytoma. Also called: MAX-Related Hereditary Paraganglioma-Pheochromocytoma Syndrome. Identifiers: Orphanet 29072, MedGen C0031511, MONDO:0008233, OMIM 171300, HP:0002666.

Submission:

Labcorp Genetics (formerly Invitae), Labcorp
Classification: Pathogenic for Gastrointestinal stromal tumor; Pheochromocytoma/paraganglioma syndrome 4; Pheochromocytoma. Last evaluated: 2016-07-30. Review status: criteria provided, single submitter. Criteria: Invitae Variant Classification Sherloc (09022015). Collection method: clinical testing. Allele origin: germline.
Comment: For these reasons, this variant has been classified as Pathogenic. While this particular variant has not been reported in the literature, truncating variants in SDHB are known to be pathogenic (PMID: 19802898, 19454582). This sequence change creates a premature translational stop signal at codon 147 (p.Tyr147*) of the SDHB gene. It is expected to result in an absent or disrupted protein product.

Literature cited by the submitters: PubMed 19802898; PubMed 19454582.